The following is an entry in ClinVar:

NM_001127222.2(CACNA1A):c.6340-19G>A

Gene: CACNA1A (calcium voltage-gated channel subunit alpha1 A; minus strand). Cytogenetic location: 19p13.13.
Variant type: single nucleotide variant.
Coding change: c.6340-19G>A on transcript NM_001127222.2 (MANE Select); 19 bases into the intron before coding-DNA position 6340, G replaced by A.
Molecular consequence: intron variant.
Genome position (GRCh38, 1-based): chr19:13,209,517, C>T on the plus strand (G>A on the coding strand, the complement: CACNA1A is on the minus strand). VCF-style: chr19-13209517-C-T. GRCh37 (hg19) VCF-style: chr19-13320331-C-T.
Other names: c.6343-19G>A (NM_001127221.2); c.6349-19G>A (NM_001174080.2); c.6358-19G>A (NM_000068.4, NM_023035.3).
Identifiers: ClinVar variation 388052 (VCV000388052.10), dbSNP rs916904971, ClinGen allele CA16608888.
Genomic context (GRCh38, chr19:13,209,517, plus strand): 5'-CACGGAGGCTGAACGCTTCATGGGGCTGGTGTCTGAGATGGTCTGGGGGAGGGGACAGGC[C>T]GGTGGGCTGGGGTCAGCAGCTAGCACCAAGTGGTCCCGGTCCTTCCTGCCCCATTGTGGC-3'

ClinVar aggregate classification (germline): Likely benign. Review status: criteria provided, multiple submitters, no conflicts (2 of 4 stars). 3 submissions from 3 submitters: Likely benign (3). Last evaluated 2025-11-12.

Conditions:
Episodic ataxia type 2 (EA2). Also called: ACETAZOLAMIDE-RESPONSIVE HEREDITARY PAROXYSMAL CEREBELLAR ATAXIA; ATAXIA, EPISODIC, WITH NYSTAGMUS; ATAXIA, FAMILIAL PAROXYSMAL; CEREBELLAR ATAXIA, PAROXYSMAL, ACETAZOLAMIDE-RESPONSIVE; CEREBELLOPATHY, HEREDITARY PAROXYSMAL; EPISODIC ATAXIA, NYSTAGMUS-ASSOCIATED. Identifiers: Orphanet 97, MedGen C1720416, MONDO:0007163, OMIM 108500.
Developmental and epileptic encephalopathy, 42 (DEE42A). Also called: Epileptic encephalopathy, early infantile, 42; DEVELOPMENTAL AND EPILEPTIC ENCEPHALOPATHY 42A; EPILEPTIC ENCEPHALOPATHY, EARLY INFANTILE, 42A. Identifiers: MedGen C4310716, MONDO:0014917, OMIM 617106.

Allele frequency attached by ClinVar (database versions not stated): gnomAD 0.00003; gnomAD exomes 0.00003; TOPMed 0.00004.
gnomAD v4.1: 35 of 1,289,048 alleles (0.0027%); highest among the groups gnomAD compares: African/African-American, 0.011%; no homozygotes.

Submissions (3):

Labcorp Genetics (formerly Invitae), Labcorp
Classification: Likely benign for Developmental and epileptic encephalopathy, 42; Episodic ataxia type 2. Last evaluated: 2025-11-12. Review status: criteria provided, single submitter. Criteria: Invitae Variant Classification Sherloc (09022015). Collection method: clinical testing. Allele origin: germline.

Blueprint Genetics
Classification: Likely benign. Last evaluated: 2024-01-12. Review status: criteria provided, single submitter. Criteria: ACMG Guidelines, 2015. Collection method: clinical testing. Allele origin: germline.

GeneDx
Classification: Likely benign. Last evaluated: 2018-02-21. Review status: criteria provided, single submitter. Criteria: GeneDx Variant Classification (06012015). Collection method: clinical testing. Allele origin: germline. Affected: yes.
Comment: This variant is considered likely benign or benign based on one or more of the following criteria: it is a conservative change, it occurs at a poorly conserved position in the protein, it is predicted to be benign by multiple in silico algorithms, and/or has population frequency not consistent with disease.